The following is an entry in ClinVar:

NM_003742.4(ABCB11):c.1142_1162del (p.Glu381_Arg387del)

Gene: ABCB11 (ATP binding cassette subfamily B member 11; minus strand). Cytogenetic location: 2q31.1.
Variant type: Deletion.
Coding change: c.1142_1162del on transcript NM_003742.4 (MANE Select); coding-DNA positions 1142 to 1162, 21 bases deleted (AAGCCTTTGCAACTGGACGTG).
Protein change: p.Glu381_Arg387del.
Genome position (GRCh38, 1-based): chr2:168,979,901-168,979,921, CACGTCCAGTTGCAAAGGCTT deleted on the plus strand (AAGCCTTTGCAACTGGACGTG on the coding strand, the reverse complement: ABCB11 is on the minus strand); deleting any 21 consecutive bases within chr2:168,979,901-168,979,922 gives the same sequence; the c. name uses the placement nearest the transcript's 3' end. VCF-style (leftmost placement, unchanged base first): chr2-168979900-GCACGTCCAGTTGCAAAGGCTT-G. GRCh37 (hg19) VCF-style: chr2-169836410-GCACGTCCAGTTGCAAAGGCTT-G.
Identifiers: ClinVar variation 4845985 (VCV004845985.1).

ClinVar aggregate classification (germline): Uncertain significance (1 of 4 stars; one submission).

Conditions:
Familial intrahepatic cholestasis. Identifiers: Orphanet 284385, MedGen CN296401, MONDO:0017290.

Submission:

Genomenon, Inc
Classification: Uncertain significance for Familial intrahepatic cholestasis. Last evaluated: 2026-04-14. Review status: criteria provided, single submitter. Criteria: Genomenon Sequence Variant Interpretation Standards - Updated. Collection method: curation. Allele origin: germline. Affected: yes.
Comment: ABCB11 p.Glu381_Arg387del (c.1142_1162del) is an in-frame deletion variant that results in the loss of multiple amino acids, from Glutamic acid at position 381 to Arginine at position 387. This variant has been observed in at least one proband with an ABCB11-related disorder (PMID:32087350). It is absent or not present at a significant frequency in gnomAD. In conclusion, we classify ABCB11 p.Glu381_Arg387del (c.1142_1162del) as a variant of uncertain significance.

Literature cited by the submitters: PubMed 32087350.